The following is an entry in ClinVar:

ClinVar aggregate classification (germline): Uncertain significance (1 of 4 stars; one submission).

Submission:

Labcorp Genetics (formerly Invitae), Labcorp
Classification: Uncertain significance. Last evaluated: 2021-10-29. Review status: criteria provided, single submitter. Criteria: Invitae Variant Classification Sherloc (09022015). Collection method: clinical testing. Allele origin: germline.
Comment: Experimental studies and prediction algorithms are not available or were not evaluated, and the functional significance of this variant is currently unknown. In summary, the available evidence is currently insufficient to determine the role of this variant in disease. Therefore, it has been classified as a Variant of Uncertain Significance. Algorithms developed to predict the effect of sequence changes on RNA splicing suggest that this variant may create or strengthen a splice site. This variant has not been reported in the literature in individuals affected with GRIN2D-related conditions. Information on the frequency of this variant in the gnomAD database is not available, as this variant may be reported differently in the database. This sequence change replaces alanine, which is neutral and non-polar, with valine, which is neutral and non-polar, at codon 1098 of the GRIN2D protein (p.Ala1098Val).

NM_000836.4(GRIN2D):c.3293_3294delinsTA (p.Ala1098Val)

Gene: GRIN2D (glutamate ionotropic receptor NMDA type subunit 2D; plus strand). Cytogenetic location: 19q13.33.
Variant type: Indel.
Coding change: c.3293_3294delinsTA on transcript NM_000836.4 (MANE Select); coding-DNA positions 3293 to 3294, CC replaced by TA.
Protein change: p.Ala1098Val; replaces alanine 1098 with valine.
Molecular consequence: missense variant.
Genome position (GRCh38, 1-based): chr19:48,443,219-48,443,220, CC replaced by TA. VCF-style: chr19-48443219-CC-TA. GRCh37 (hg19) VCF-style: chr19-48946476-CC-TA.
Other names: short protein forms A1098V.
Identifiers: ClinVar variation 1490592 (VCV001490592.6), dbSNP rs2147477160, ClinGen allele CA2573156520.